The following is an entry in ClinVar:

ClinVar aggregate classification (germline): Likely pathogenic (1 of 4 stars; one submission).

Conditions:
Cornelia de Lange syndrome 5 (CDLS5). Also called: HDAC8-Related Cornelia de Lange Syndrome. Identifiers: Orphanet 199, MedGen C3550903, MONDO:0010471, OMIM 300882.

Submission:

Broad Center for Mendelian Genomics, Broad Institute of MIT and Harvard
Classification: Likely pathogenic for Cornelia de Lange syndrome 5. Last evaluated: 2023-05-02. Review status: criteria provided, single submitter. Criteria: ACMG Guidelines, 2015. Collection method: curation. Allele origin: germline. Inheritance: X-linked inheritance.
Comment: Trio exome analysis showed this variant to be de novo. The p.Thr338HisfsTer6 variant in HDAC8 has not been previously reported in individuals with Cornelia de Lange syndrome 5. This variant was absent from large population studies. This variant is predicted to cause a frameshift, which alters the protein‚Äôs amino acid sequence beginning at position 338 and leads to a premature termination codon 6 amino acids downstream. This termination codon occurs within the terminal 50 bases of the second to last exon and is more likely to escape nonsense mediated decay (NMD) and result in a truncated protein. Loss of function of the HDAC8 gene is an established disease mechanism in X-linked Cornelia de Lange syndrome. In summary, although additional studies are required to fully establish its clinical significance, this variant is likely pathogenic for X-linked Cornelia de Lange syndrome 5. ACMG/AMP Criteria applied: PVS1_Moderate, PS2, PM2_Supporting (Richards 2015).

NM_018486.3(HDAC8):c.1011dup (p.Thr338fs)

Gene: HDAC8 (histone deacetylase 8; minus strand). Cytogenetic location: Xq13.1.
Variant type: Duplication.
Coding change: c.1011dup on transcript NM_018486.3 (MANE Select); coding-DNA position 1011, one base duplicated (C; older notation c.1011dupC).
Protein change: p.Thr338fs; shifts the reading frame from threonine 338.
Molecular consequence: frameshift variant. On other transcripts: non-coding transcript variant (1).
Genome position (GRCh38, 1-based): chrX:72,351,833, G duplicated on the plus strand (C on the coding strand, the reverse complement: HDAC8 is on the minus strand). VCF-style (leftmost placement, unchanged base first): chrX-72351832-T-TG. GRCh37 (hg19) VCF-style: chrX-71571682-T-TG.
Other names: NR_051952.2:n.951dup; c.738dup, p.Thr247fs (NM_001166418.2, NM_001410728.1); c.1011dup, p.Thr338fs (NM_001410725.1); c.933dup, p.Thr312fs (NM_001410727.1); short protein forms T247fs, T312fs, T338fs.
Identifiers: ClinVar variation 2500939 (VCV002500939.1), dbSNP rs2519784757, ClinGen allele CA2579984137.